The following is an entry in ClinVar:

ClinVar aggregate classification (germline): Likely benign. Review status: criteria provided, single submitter (1 of 4 stars). 2 submissions from 2 submitters: Likely benign (1). 1 of the submissions does not count toward it. Last evaluated 2025-12-31.

Conditions:
IL17RC-related disorder. Also called: IL17RC-related condition.
Candidiasis, familial, 9 (CANDF9). Identifiers: Orphanet 1334, MedGen C4225324, MONDO:0014642, OMIM 616445.

Allele frequency attached by ClinVar (database versions not stated): gnomAD exomes 0.00011 and 0.00033; ExAC 0.00048; gnomAD 0.00128 and 0.00135; TOPMed 0.00143; ESP Exome Variant Server 0.00169; 1000 Genomes Project 0.00180; 1000 Genomes Project 30x 0.00203.
gnomAD v4.1: 361 of 1,613,752 alleles (0.022%); highest among the groups gnomAD compares: African/African-American, 0.44%; 2 homozygotes.

Submissions (5):

Labcorp Genetics (formerly Invitae), Labcorp
Classification: Likely benign for Candidiasis, familial, 9. Last evaluated: 2025-12-31. Review status: criteria provided, single submitter. Criteria: Invitae Variant Classification Sherloc (09022015). Collection method: clinical testing. Allele origin: germline.

PreventionGenetics, part of Exact Sciences
Classification: Likely benign for IL17RC-related condition. Last evaluated: 2024-02-19. Review status: no assertion criteria provided. Collection method: clinical testing. Allele origin: germline. Not counted in ClinVar's aggregate classification.
Comment: This variant is classified as likely benign based on ACMG/AMP sequence variant interpretation guidelines (Richards et al. 2015 PMID: 25741868, with internal and published modifications).

Dr. Peter K. Rogan Lab, Western University
No classification provided (evidence only). Condition: Uterine corpus endometrial carcinoma. Review status: no classification provided. Collection method: in vitro. Allele origin: not applicable. Functional consequence: retained intron. Not counted in ClinVar's aggregate classification.

Dr. Peter K. Rogan Lab, Western University
No classification provided (evidence only). Condition: Uterine corpus endometrial carcinoma. Review status: no classification provided. Collection method: in vitro. Allele origin: not applicable. Functional consequence: skipped exon, retained intron. Not counted in ClinVar's aggregate classification.

Dr. Peter K. Rogan Lab, Western University
No classification provided (evidence only). Condition: Ovarian serous cystadenocarcinoma. Review status: no classification provided. Collection method: in vitro. Allele origin: not applicable. Functional consequence: retained intron. Not counted in ClinVar's aggregate classification.

NM_153460.4(IL17RC):c.208C>G (p.Leu70Val)

Gene: IL17RC (interleukin 17 receptor C; plus strand). Cytogenetic location: 3p25.3.
Variant type: single nucleotide variant.
Coding change: c.208C>G on transcript NM_153460.4 (MANE Select); coding-DNA position 208, C replaced by G.
Protein change: p.Leu70Val; replaces leucine 70 with valine.
Molecular consequence: missense variant. On other transcripts: non-coding transcript variant (1).
Genome position (GRCh38, 1-based): chr3:9,918,003, C>G. VCF-style: chr3-9918003-C-G. GRCh37 (hg19) VCF-style: chr3-9959687-C-G.
Other names: c.208C>G, p.Leu70Val (NM_001203263.2, NM_001203264.2, NM_001203265.2 and 4 more transcripts); c.421C>G, p.Leu141Val (NM_153461.4); short protein forms L141V, L70V.
Identifiers: ClinVar variation 791033 (VCV000791033.13), dbSNP rs115095463, ClinGen allele CA2246770.